The following is an entry in ClinVar:

ClinVar aggregate classification (germline): Uncertain significance (1 of 4 stars; one submission).

Allele frequency attached by ClinVar (database versions not stated): TOPMed below 0.00001; gnomAD 0.00001; gnomAD exomes 0.00002.
gnomAD v4.1: 28 of 1,612,846 alleles (0.0017%); highest among the groups gnomAD compares: Non-Finnish European, 0.0024%; no homozygotes.

Submission:

Labcorp Genetics (formerly Invitae), Labcorp
Classification: Uncertain significance. Last evaluated: 2024-04-03. Review status: criteria provided, single submitter. Criteria: Invitae Variant Classification Sherloc (09022015). Collection method: clinical testing. Allele origin: germline.
Comment: This sequence change replaces arginine, which is basic and polar, with leucine, which is neutral and non-polar, at codon 259 of the WNT3A protein (p.Arg259Leu). The frequency data for this variant in the population databases is considered unreliable, as metrics indicate poor data quality at this position in the gnomAD database. This variant has not been reported in the literature in individuals affected with WNT3A-related conditions. Advanced modeling of protein sequence and biophysical properties (such as structural, functional, and spatial information, amino acid conservation, physicochemical variation, residue mobility, and thermodynamic stability) performed at Invitae indicates that this missense variant is not expected to disrupt WNT3A protein function with a negative predictive value of 80%. In summary, the available evidence is currently insufficient to determine the role of this variant in disease. Therefore, it has been classified as a Variant of Uncertain Significance.

NM_033131.4(WNT3A):c.776G>T (p.Arg259Leu)

Gene: WNT3A (Wnt family member 3A; plus strand). Cytogenetic location: 1q42.13.
Variant type: single nucleotide variant.
Coding change: c.776G>T on transcript NM_033131.4 (MANE Select); coding-DNA position 776, G replaced by T.
Protein change: p.Arg259Leu; replaces arginine 259 with leucine.
Molecular consequence: missense variant.
Genome position (GRCh38, 1-based): chr1:228,059,182, G>T. VCF-style: chr1-228059182-G-T. GRCh37 (hg19) VCF-style: chr1-228246883-G-T.
Other names: short protein forms R259L.
Identifiers: ClinVar variation 2991155 (VCV002991155.3), dbSNP rs768601883, ClinGen allele CA39148127.
Genomic context (GRCh38, chr1:228,059,182, plus strand): 5'-CGGAGATGGTGGTGGAGAAGCACCGGGAGTCCCGCGGCTGGGTGGAGACCCTGCGGCCGC[G>T]CTACACCTACTTCAAGGTGCCCACGGAGCGCGACCTGGTCTACTACGAGGCCTCGCCCAA-3'
Protein context (NP_149122.1, residues 249-269): SRGWVETLRP[Arg259Leu]YTYFKVPTER